The following is an entry in ClinVar:

NM_000384.3(APOB):c.2795C>T (p.Pro932Leu)

Gene: APOB (apolipoprotein B; minus strand). Cytogenetic location: 2p24.1.
Variant type: single nucleotide variant.
Coding change: c.2795C>T on transcript NM_000384.3 (MANE Select); coding-DNA position 2795, C replaced by T.
Protein change: p.Pro932Leu; replaces proline 932 with leucine.
Molecular consequence: missense variant.
Genome position (GRCh38, 1-based): chr2:21,022,852, G>A on the plus strand (C>T on the coding strand, the complement: APOB is on the minus strand). VCF-style: chr2-21022852-G-A. GRCh37 (hg19) VCF-style: chr2-21245724-G-A.
Other names: short protein forms P932L.
Identifiers: ClinVar variation 4083254 (VCV004083254.1).

ClinVar aggregate classification (germline): Uncertain significance (1 of 4 stars; one submission).

Submission:

GeneDx
Classification: Uncertain significance. Last evaluated: 2025-03-13. Review status: criteria provided, single submitter. Criteria: GeneDx Variant Classification Process June 2021. Collection method: clinical testing. Allele origin: germline. Affected: yes.
Comment: Not observed at significant frequency in large population cohorts (gnomAD); In silico analysis supports that this missense variant has a deleterious effect on protein structure/function; Has not been previously published as pathogenic or benign to our knowledge